The following is an entry in ClinVar:

ClinVar aggregate classification (germline): Uncertain significance (1 of 4 stars; one submission).

Conditions:
Vici syndrome (VICIS). Identifiers: Orphanet 1493, MedGen C1855772, MONDO:0009452, OMIM 242840.

Allele frequency attached by ClinVar (database versions not stated): ExAC 0.00003; gnomAD exomes 0.00004; TOPMed 0.00004; gnomAD 0.00005; ESP Exome Variant Server 0.00008.
gnomAD v4.1: 41 of 1,611,920 alleles (0.0025%); highest among the groups gnomAD compares: Admixed American, 0.02%; no homozygotes.

Submission:

Labcorp Genetics (formerly Invitae), Labcorp
Classification: Uncertain significance for Vici syndrome. Last evaluated: 2025-10-22. Review status: criteria provided, single submitter. Criteria: Invitae Variant Classification Sherloc (09022015). Collection method: clinical testing. Allele origin: germline.
Comment: This sequence change replaces proline, which is neutral and non-polar, with serine, which is neutral and polar, at codon 1096 of the EPG5 protein (p.Pro1096Ser). This variant is present in population databases (rs199524137, gnomAD 0.01%). This variant has not been reported in the literature in individuals affected with EPG5-related conditions. ClinVar contains an entry for this variant (Variation ID: 1039620). An algorithm developed to predict the effect of missense changes on protein structure and function (PolyPhen-2) suggests that this variant is likely to be disruptive. In summary, the available evidence is currently insufficient to determine the role of this variant in disease. Therefore, it has been classified as a Variant of Uncertain Significance.

NM_020964.3(EPG5):c.3286C>T (p.Pro1096Ser)

Gene: EPG5 (ectopic P-granules 5 autophagy tethering factor; minus strand). Cytogenetic location: 18q21.1.
Variant type: single nucleotide variant.
Coding change: c.3286C>T on transcript NM_020964.3 (MANE Select); coding-DNA position 3286, C replaced by T.
Protein change: p.Pro1096Ser; replaces proline 1096 with serine.
Molecular consequence: missense variant.
Genome position (GRCh38, 1-based): chr18:45,916,536, G>A on the plus strand (C>T on the coding strand, the complement: EPG5 is on the minus strand). VCF-style: chr18-45916536-G-A. GRCh37 (hg19) VCF-style: chr18-43496501-G-A.
Other names: short protein forms P1096S.
Identifiers: ClinVar variation 1039620 (VCV001039620.8), dbSNP rs199524137, ClinGen allele CA8949211.
Genomic context (GRCh38, chr18:45,916,536, plus strand): 5'-GGCTGGCTCCTGTCAGGTGCTGTGCCACCTTGTGGGTGACCTGTTGTGTGACACCCTGAG[G>A]GACACCGCTGTCCAAGTGTAGGAACAAGAGGAGATGCGATAAAAACCTGCCAAGCACACA-3'
Protein context (NP_066015.2, residues 1086-1106): LLFLHLDSGV[Pro1096Ser]QGVTQQVTHK